The following is an entry in ClinVar:

ClinVar aggregate classification (germline): Uncertain significance (1 of 4 stars; one submission).

gnomAD v4.1: 17 of 1,611,232 alleles (0.0011%); highest among the groups gnomAD compares: Middle Eastern, 0.033%; no homozygotes.

Submission:

Labcorp Genetics (formerly Invitae), Labcorp
Classification: Uncertain significance. Last evaluated: 2025-09-08. Review status: criteria provided, single submitter. Criteria: Invitae Variant Classification Sherloc (09022015). Collection method: clinical testing. Allele origin: germline.
Comment: This sequence change replaces glutamic acid, which is acidic and polar, with lysine, which is basic and polar, at codon 22 of the POLR1D protein (p.Glu22Lys). This variant is present in population databases (rs765011144, gnomAD 0.02%). This variant has not been reported in the literature in individuals affected with POLR1D-related conditions. An algorithm developed to predict the effect of missense changes on protein structure and function (PolyPhen-2) suggests that this variant is likely to be tolerated. In summary, the available evidence is currently insufficient to determine the role of this variant in disease. Therefore, it has been classified as a Variant of Uncertain Significance.

NM_015972.4(POLR1D):c.64G>A (p.Glu22Lys)

Genes: POLR1D (RNA polymerase I and III subunit D; plus strand), LOC147380392 (uncharacterized LOC147380392; plus strand). Cytogenetic location: 13q12.2.
Variant type: single nucleotide variant.
Coding change: c.64G>A on transcript NM_015972.4 (MANE Select); coding-DNA position 64, G replaced by A.
Protein change: p.Glu22Lys; replaces glutamic acid 22 with lysine.
Molecular consequence: missense variant. On other transcripts: intron variant (2).
Genome position (GRCh38, 1-based): chr13:27,622,912, G>A. VCF-style: chr13-27622912-G-A. GRCh37 (hg19) VCF-style: chr13-28197049-G-A.
Other names: c.64G>A, p.Glu22Lys (NM_001374407.1); c.-59+1772G>A (NM_001206559.2); c.26+903G>A (NM_152705.3); short protein forms E22K.
Identifiers: ClinVar variation 4701328 (VCV004701328.1).
Genomic context (GRCh38, chr13:27,622,912, plus strand): 5'-TTTTATAAAAAATATGTGTGTAGAAAAATATCTGGATTGAAGACCTCAATGGCTGAAGGC[G>A]AGAGGAAGACAGCCCTGGAAATGGTCCAGGCAGCTGGAACAGATAGACACTGTGTGACAT-3'
Protein context (NP_057056.1, residues 12-32): SGLKTSMAEG[Glu22Lys]RKTALEMVQA